The following is an entry in ClinVar:

ClinVar aggregate classification (germline): Uncertain significance (1 of 4 stars; one submission).

Submission:

Labcorp Genetics (formerly Invitae), Labcorp
Classification: Uncertain significance. Last evaluated: 2024-03-01. Review status: criteria provided, single submitter. Criteria: Invitae Variant Classification Sherloc (09022015). Collection method: clinical testing. Allele origin: germline.
Comment: This sequence change creates a premature translational stop signal (p.Phe561Serfs*20) in the RASA2 gene. It is expected to result in an absent or disrupted protein product. However, the current clinical and genetic evidence is not sufficient to establish whether loss-of-function variants in RASA2 cause disease. This variant is not present in population databases (gnomAD no frequency). This variant has not been reported in the literature in individuals affected with RASA2-related conditions. In summary, the available evidence is currently insufficient to determine the role of this variant in disease. Therefore, it has been classified as a Variant of Uncertain Significance.

NM_006506.5(RASA2):c.1682del (p.Phe561fs)

Gene: RASA2 (RAS p21 protein activator 2; plus strand). Cytogenetic location: 3q23.
Variant type: Deletion.
Coding change: c.1682del on transcript NM_006506.5 (MANE Select); coding-DNA position 1682, one base deleted (T; older notation c.1682delT).
Protein change: p.Phe561fs; shifts the reading frame from phenylalanine 561.
Molecular consequence: frameshift variant.
Genome position (GRCh38, 1-based): chr3:141,581,107, T deleted; the last of 3 consecutive T bases (chr3:141,581,105-141,581,107); deleting any one gives the same sequence. VCF-style (leftmost placement, unchanged base first): chr3-141581104-GT-G. GRCh37 (hg19) VCF-style: chr3-141299946-GT-G.
Other names: c.1682del, p.Phe561fs (NM_001303245.3, NM_001303246.3); short protein forms F561fs.
Identifiers: ClinVar variation 3643885 (VCV003643885.2).